The following is an entry in ClinVar:

ClinVar aggregate classification (germline): Uncertain significance (1 of 4 stars; one submission).

Submission:

GeneDx
Classification: Uncertain significance. Last evaluated: 2024-10-01. Review status: criteria provided, single submitter. Criteria: GeneDx Variant Classification Process June 2021. Collection method: clinical testing. Allele origin: germline. Affected: yes.
Comment: Not observed at significant frequency in large population cohorts (gnomAD); In silico analysis supports that this missense variant has a deleterious effect on protein structure/function; Has not been previously published as pathogenic or benign to our knowledge

NM_006852.6(TLK2):c.1216G>C (p.Glu406Gln)

Gene: TLK2 (tousled like kinase 2; plus strand). Cytogenetic location: 17q23.2.
Variant type: single nucleotide variant.
Coding change: c.1216G>C on transcript NM_006852.6 (MANE Select); coding-DNA position 1216, G replaced by C.
Protein change: p.Glu406Gln; replaces glutamic acid 406 with glutamine.
Molecular consequence: missense variant.
Genome position (GRCh38, 1-based): chr17:62,578,504, G>C. VCF-style: chr17-62578504-G-C. GRCh37 (hg19) VCF-style: chr17-60655865-G-C.
Other names: c.1282G>C, p.Glu428Gln (NM_001284333.3); c.1120G>C, p.Glu374Gln (NM_001284363.1, NM_001375272.1); c.769G>C, p.Glu257Gln (NM_001330418.3, NM_001375273.1); c.1258G>C, p.Glu420Gln (NM_001375269.1); c.1216G>C, p.Glu406Gln (NM_001375270.1, NM_001375271.1); c.931G>C, p.Glu311Gln (NM_001411074.1); short protein forms E257Q, E311Q, E374Q, E406Q, E420Q, E428Q.
Identifiers: ClinVar variation 3777413 (VCV003777413.1).